The following is an entry in ClinVar:

NM_024422.6(DSC2):c.965A>G (p.Lys322Arg)

Gene: DSC2 (desmocollin 2; minus strand). Cytogenetic location: 18q12.1.
Variant type: single nucleotide variant.
Coding change: c.965A>G on transcript NM_024422.6 (MANE Select); coding-DNA position 965, A replaced by G.
Protein change: p.Lys322Arg; replaces lysine 322 with arginine.
Molecular consequence: missense variant.
Genome position (GRCh38, 1-based): chr18:31,083,038, T>C on the plus strand (A>G on the coding strand, the complement: DSC2 is on the minus strand). VCF-style: chr18-31083038-T-C. GRCh37 (hg19) VCF-style: chr18-28663004-T-C.
Other names: c.965A>G, p.Lys322Arg (NM_004949.5); short protein forms K322R.
Identifiers: ClinVar variation 926762 (VCV000926762.18), dbSNP rs1157312147, ClinGen allele CA402110953.

ClinVar aggregate classification (germline): Conflicting classifications of pathogenicity. Review status: criteria provided, conflicting classifications (1 of 4 stars). 5 submissions from 5 submitters: Uncertain significance (4); Likely benign (1). Last evaluated 2025-12-26.

Conditions:
Familial isolated arrhythmogenic right ventricular dysplasia. Identifiers: Orphanet 217656, MedGen C4274968, MONDO:0016342.
Arrhythmogenic right ventricular dysplasia 11. Also called: Arrhythmogenic Right Ventricular Dysplasia/Cardiomyopathy11; Arrhythmogenic right ventricular dysplasia 11 with mild palmoplantar keratoderma and woolly hair; ARRHYTHMOGENIC RIGHT VENTRICULAR DYSPLASIA, FAMILIAL, 11. Identifiers: MedGen C1864850, MONDO:0012506, OMIM 610476.
Cardiomyopathy (CMYO). Also called: Cardiomyopathies. Identifiers: Orphanet 167848, MedGen C0878544, MONDO:0004994, HP:0001638. Inheritance: Various modes of inheritance.
Cardiovascular phenotype. Identifiers: MedGen CN230736.

Allele frequency attached by ClinVar (database versions not stated): gnomAD exomes 0.00001; TOPMed 0.00001; gnomAD 0.00002.
gnomAD v4.1: 12 of 1,612,532 alleles (0.00074%); highest among the groups gnomAD compares: Non-Finnish European, 0.001%; no homozygotes.

Submissions (5):

Labcorp Genetics (formerly Invitae), Labcorp
Classification: Uncertain significance for Arrhythmogenic right ventricular dysplasia 11. Last evaluated: 2025-12-26. Review status: criteria provided, single submitter. Criteria: Invitae Variant Classification Sherloc (09022015). Collection method: clinical testing. Allele origin: germline.
Comment: This sequence change replaces lysine, which is basic and polar, with arginine, which is basic and polar, at codon 322 of the DSC2 protein (p.Lys322Arg). This variant is not present in population databases (gnomAD no frequency). This variant has not been reported in the literature in individuals affected with DSC2-related conditions. ClinVar contains an entry for this variant (Variation ID: 926762). Invitae Evidence Modeling of protein sequence and biophysical properties (such as structural, functional, and spatial information, amino acid conservation, physicochemical variation, residue mobility, and thermodynamic stability) indicates that this missense variant is not expected to disrupt DSC2 protein function with a negative predictive value of 80%. In summary, the available evidence is currently insufficient to determine the role of this variant in disease. Therefore, it has been classified as a Variant of Uncertain Significance.

Ambry Genetics
Classification: Likely benign for Cardiovascular phenotype. Last evaluated: 2025-01-27. Review status: criteria provided, single submitter. Criteria: Ambry Variant Classification Scheme 2023. Collection method: clinical testing. Allele origin: germline.

All of Us Research Program, National Institutes of Health
Classification: Uncertain significance for Familial isolated arrhythmogenic right ventricular dysplasia. Last evaluated: 2024-09-23. Review status: criteria provided, single submitter. Criteria: ACMG Guidelines, 2015. Collection method: clinical testing. Allele origin: germline. Inheritance: Autosomal dominant inheritance. Observed: 9 variant alleles, 9 heterozygotes.
Comment: This missense variant replaces lysine with arginine at codon 322 of the DSC2 protein. Computational prediction tools and conservation analyses suggest that this variant may not impact the protein function. Computational splicing tools suggest that this variant may not impact RNA splicing. To our knowledge, functional assays have not been performed for this variant nor has this variant been reported in individuals affected with cardiovascular disorders in the literature. This variant has not been identified in the general population by the Genome Aggregation Database (gnomAD). Available evidence is insufficient to determine the role of this variant in disease conclusively. Therefore, this variant is classified as a Variant of Uncertain Significance.

This study involves interpretation of variants in research participants for the purpose of population health screening. Participant phenotype was not available at the time of variant classification. Additional details can be found in publication PMID: 35346344, PMCID: PMC8962531

Color Diagnostics, LLC DBA Color Health
Classification: Uncertain significance for Cardiomyopathy. Last evaluated: 2024-03-06. Review status: criteria provided, single submitter. Criteria: ACMG Guidelines, 2015. Collection method: clinical testing. Allele origin: germline.
Comment: This missense variant replaces lysine with arginine at codon 322 of the DSC2 protein. Computational prediction suggests that this variant may not impact protein structure and function (internally defined REVEL score threshold <= 0.5, PMID: 27666373). To our knowledge, functional studies have not been reported for this variant. This variant has not been reported in individuals affected with DSC2-related disorders in the literature. This variant has not been identified in the general population by the Genome Aggregation Database (gnomAD). The available evidence is insufficient to determine the role of this variant in disease conclusively. Therefore, this variant is classified as a Variant of Uncertain Significance.

Blueprint Genetics
Classification: Uncertain significance. Last evaluated: 2023-07-07. Review status: criteria provided, single submitter. Criteria: ACMG Guidelines, 2015. Collection method: clinical testing. Allele origin: germline.